The following is an entry in ClinVar:

NM_198334.3(GANAB):c.512A>G (p.Asn171Ser)

Gene: GANAB (glucosidase II alpha subunit; minus strand). Cytogenetic location: 11q12.3.
Variant type: single nucleotide variant.
Coding change: c.512A>G on transcript NM_198334.3 (MANE Select); coding-DNA position 512, A replaced by G.
Protein change: p.Asn171Ser; replaces asparagine 171 with serine.
Molecular consequence: missense variant. On other transcripts: 5 prime UTR variant (2).
Genome position (GRCh38, 1-based): chr11:62,634,869, T>C on the plus strand (A>G on the coding strand, the complement: GANAB is on the minus strand). VCF-style: chr11-62634869-T-C. GRCh37 (hg19) VCF-style: chr11-62402341-T-C.
Other names: c.170A>G, p.Asn57Ser (NM_001278192.2, NM_001278193.2); c.221A>G, p.Asn74Ser (NM_001278194.2, NM_001329222.2, NM_001329223.2); c.-265A>G (NM_001329224.2, NM_001329225.2); c.512A>G, p.Asn171Ser (NM_198335.4); short protein forms N57S, N171S, N74S.
Identifiers: ClinVar variation 2176385 (VCV002176385.5), dbSNP rs376506343, ClinGen allele CA6051083.

ClinVar aggregate classification (germline): Uncertain significance. Review status: criteria provided, multiple submitters, no conflicts (2 of 4 stars). 2 submissions from 2 submitters: Uncertain significance (2). Last evaluated 2024-01-09.

Conditions:
Polycystic kidney disease 3 with or without polycystic liver disease. Also called: Polycystic kidney disease 3; Polycystic Kidney and/or Polycystic Liver Disease 3; POLYCYSTIC KIDNEY DISEASE, ADULT, TYPE III. Identifiers: MedGen C3887964, MONDO:0010916, OMIM 600666.

Allele frequency attached by ClinVar (database versions not stated): gnomAD exomes below 0.00001; ExAC 0.00001; gnomAD 0.00001; TOPMed 0.00002; ESP Exome Variant Server 0.00008.
gnomAD v4.1: 9 of 1,613,996 alleles (0.00056%); highest among the groups gnomAD compares: East Asian, 0.0022%; no homozygotes.

Submissions (2):

Fulgent Genetics
Classification: Uncertain significance for Polycystic kidney disease 3 with or without polycystic liver disease. Last evaluated: 2024-01-09. Review status: criteria provided, single submitter. Criteria: ACMG Guidelines, 2015. Collection method: clinical testing. Allele origin: germline.

Labcorp Genetics (formerly Invitae), Labcorp
Classification: Uncertain significance. Last evaluated: 2022-05-21. Review status: criteria provided, single submitter. Criteria: Invitae Variant Classification Sherloc (09022015). Collection method: clinical testing. Allele origin: germline.
Comment: This variant has not been reported in the literature in individuals affected with GANAB-related conditions. In summary, the available evidence is currently insufficient to determine the role of this variant in disease. Therefore, it has been classified as a Variant of Uncertain Significance. Advanced modeling of protein sequence and biophysical properties (such as structural, functional, and spatial information, amino acid conservation, physicochemical variation, residue mobility, and thermodynamic stability) performed at Invitae indicates that this missense variant is expected to disrupt GANAB protein function. This variant is present in population databases (rs376506343, gnomAD 0.005%). This sequence change replaces asparagine, which is neutral and polar, with serine, which is neutral and polar, at codon 171 of the GANAB protein (p.Asn171Ser).